The following is an entry in ClinVar:

NM_004318.4(ASPH):c.390C>T (p.Pro130=)

Gene: ASPH (aspartate beta-hydroxylase; minus strand). Cytogenetic location: 8q12.3.
Variant type: single nucleotide variant.
Coding change: c.390C>T on transcript NM_004318.4 (MANE Select); coding-DNA position 390, C replaced by T.
Protein change: p.Pro130=; no amino-acid change (proline 130 retained).
Molecular consequence: synonymous variant. On other transcripts: intron variant (2).
Genome position (GRCh38, 1-based): chr8:61,653,593, G>A on the plus strand (C>T on the coding strand, the complement: ASPH is on the minus strand). VCF-style: chr8-61653593-G-A. GRCh37 (hg19) VCF-style: chr8-62566152-G-A.
Other names: c.303C>T, p.Pro101= (NM_001164750.2, NM_001413903.1, NM_001413904.1 and 4 more transcripts); c.348C>T, p.Pro116= (NM_001164751.2, NM_001164752.2, NM_001164753.2 and 3 more transcripts); c.390C>T, p.Pro130= (NM_001164754.2, NM_001164755.2, NM_001413844.1 and 45 more transcripts); c.435C>T, p.Pro145= (NM_001413845.1, NM_001413846.1, NM_001413848.1 and 7 more transcripts); c.322+27375C>T (NM_001413901.1, NM_001413909.1).
Identifiers: ClinVar variation 3771333 (VCV003771333.13).
Genomic context (GRCh38, chr8:61,653,593, plus strand): 5'-ACCTGGGCGAGACTCGAGGATGAGGACAAGCTTACCTGCCTCCACAGGAACCTGCTCCTC[G>A]GGCTCAGTGTGTGGCTCAGCCTCTTCTGGCGGGACTGCTGGCTCTGAAGTAGATCTCTCT-3'
Protein context (NP_004309.2, residues 120-140): PPEEAEPHTE[Pro130=]EEQVPVEAEP

ClinVar aggregate classification (germline): Likely benign (1 of 4 stars; one submission).

gnomAD v4.1: 146 of 1,613,866 alleles (0.009%); highest among the groups gnomAD compares: African/African-American, 0.012%; no homozygotes.

Submission:

CeGaT Center for Human Genetics Tuebingen
Classification: Likely benign. Last evaluated: 2024-12-01. Review status: criteria provided, single submitter. Criteria: CeGaT Center For Human Genetics Tuebingen Variant Classification Criteria Version 2. Collection method: clinical testing. Allele origin: germline. Affected: yes. Observed: 1 variant allele.
Comment: ASPH: BP4, BP7